The following is an entry in ClinVar:

NM_006147.4(IRF6):c.*1246C>G

Gene: IRF6 (interferon regulatory factor 6; minus strand). Cytogenetic location: 1q32.2.
Variant type: single nucleotide variant.
Coding change: c.*1246C>G on transcript NM_006147.4 (MANE Select); 1246 bases downstream of the stop codon, C replaced by G.
Molecular consequence: 3 prime UTR variant.
Genome position (GRCh38, 1-based): chr1:209,787,174, G>C on the plus strand (C>G on the coding strand, the complement: IRF6 is on the minus strand). VCF-style: chr1-209787174-G-C. GRCh37 (hg19) VCF-style: chr1-209960519-G-C.
Other names: c.*1246C>G (NM_001206696.2).
Identifiers: ClinVar variation 295186 (VCV000295186.5), dbSNP rs58161850, ClinGen allele CA10609016.

ClinVar aggregate classification (germline): Benign. Review status: criteria provided, single submitter (1 of 4 stars). 2 submissions from 1 submitter: Benign (2). Last evaluated 2018-01-12.

Conditions:
Orofacial cleft 6, susceptibility to (OFC6). Also called: CLEFT LIP WITH OR WITHOUT CLEFT PALATE, NONSYNDROMIC, 6. Identifiers: MedGen C1837213, MONDO:0012141, OMIM 608864.
Van der Woude syndrome 1. Also called: CLEFT LIP AND/OR PALATE WITH MUCOUS CYSTS OF LOWER LIP; van der Woude Syndrome (VWS). Identifiers: MedGen C4551864, MONDO:0007333, OMIM 119300.

Allele frequency attached by ClinVar (database versions not stated): gnomAD exomes 0.00515; gnomAD 0.01673 and 0.01821; TOPMed 0.01929; 1000 Genomes Project 0.02236; 1000 Genomes Project 30x 0.02467.
gnomAD v4.1: 2,734 of 152,456 alleles (1.8%); highest among the groups gnomAD compares: African/African-American, 6.2%; 99 homozygotes.

Submissions (2):

Illumina Laboratory Services, Illumina
Classification: Benign for Van der Woude syndrome 1. Last evaluated: 2018-01-12. Review status: criteria provided, single submitter. Criteria: ICSL Variant Classification Criteria 13 December 2019. Collection method: clinical testing. Allele origin: germline.
Comment: This variant was observed in the ICSL laboratory as part of a predisposition screen in an ostensibly healthy population. It had not been previously curated by ICSL or reported in the Human Gene Mutation Database (HGMD: prior to June 1st, 2018), and was therefore a candidate for classification through an automated scoring system. Utilizing variant allele frequency, disease prevalence and penetrance estimates, and inheritance mode, an automated score was calculated to assess if this variant is too frequent to cause the disease. Based on the score and internal cut-off values, a variant classified as benign is not then subjected to further curation. The score for this variant resulted in a classification of benign for this disease.

Illumina Laboratory Services, Illumina
Classification: Benign for Orofacial cleft 6, susceptibility to. Last evaluated: 2018-01-12. Review status: criteria provided, single submitter. Criteria: ICSL Variant Classification Criteria 13 December 2019. Collection method: clinical testing. Allele origin: germline.
Comment: the same text as in the submission from Illumina Laboratory Services, Illumina above.